The following is an entry in ClinVar:

NM_020987.5(ANK3):c.1153G>C (p.Val385Leu)

Gene: ANK3 (ankyrin 3; minus strand). Cytogenetic location: 10q21.2.
Variant type: single nucleotide variant.
Coding change: c.1153G>C on transcript NM_020987.5 (MANE Select); coding-DNA position 1153, G replaced by C.
Protein change: p.Val385Leu; replaces valine 385 with leucine.
Molecular consequence: missense variant.
Genome position (GRCh38, 1-based): chr10:60,208,077, C>G on the plus strand (G>C on the coding strand, the complement: ANK3 is on the minus strand). VCF-style: chr10-60208077-C-G. GRCh37 (hg19) VCF-style: chr10-61967835-C-G.
Other names: c.1135G>C, p.Val379Leu (NM_001204403.2); c.1102G>C, p.Val368Leu (NM_001204404.2); c.1153G>C, p.Val385Leu (NM_001320874.2); short protein forms V368L, V379L, V385L.
Identifiers: ClinVar variation 5020131 (VCV005020131.1).

ClinVar aggregate classification (germline): Uncertain significance (1 of 4 stars; one submission).

gnomAD v4.1: 1 of 1,614,072 alleles (0.000062%); highest among the groups gnomAD compares: Non-Finnish European, 0.000085%; no homozygotes.

Submission:

Dasa
Classification: Uncertain significance. Last evaluated: 2026-07-25. Review status: criteria provided, single submitter. Criteria: DASA Assertion Criteria. Collection method: clinical testing. Allele origin: germline.
Comment: NM_020987.5(ANK3):c.1153G>C (p.Val385Leu) is a missense variant that results in the substitution of valine with leucine. This variant is rare in population databases. Computational prediction algorithms are consistent with a benign effect. The currently available literature and clinical evidence are not sufficient to establish a definitive association between this variant and the reported condition. Therefore, this variant is classified as a variant of uncertain significance.